The following is an entry in ClinVar:

ClinVar aggregate classification (germline): Uncertain significance (1 of 4 stars; one submission).

gnomAD v4.1: 1 of 1,613,822 alleles (0.000062%); highest among the groups gnomAD compares: Non-Finnish European, 0.000085%; no homozygotes.

Submission:

CeGaT Center for Human Genetics Tuebingen
Classification: Uncertain significance. Last evaluated: 2022-10-01. Review status: criteria provided, single submitter. Criteria: CeGaT Center For Human Genetics Tuebingen Variant Classification Criteria Version 2. Collection method: clinical testing. Allele origin: germline. Affected: yes. Observed: 1 variant allele.
Comment: HSD17B4: PM2, BP4

NM_000414.4(HSD17B4):c.1160T>C (p.Met387Thr)

Gene: HSD17B4 (hydroxysteroid 17-beta dehydrogenase 4; plus strand). Cytogenetic location: 5q23.1.
Variant type: single nucleotide variant.
Coding change: c.1160T>C on transcript NM_000414.4 (MANE Select); coding-DNA position 1160, T replaced by C.
Protein change: p.Met387Thr; replaces methionine 387 with threonine.
Molecular consequence: missense variant. On other transcripts: non-coding transcript variant (2).
Genome position (GRCh38, 1-based): chr5:119,499,504, T>C. VCF-style: chr5-119499504-T-C. GRCh37 (hg19) VCF-style: chr5-118835199-T-C.
Other names: c.1235T>C, p.Met412Thr (NM_001199291.3); c.1106T>C, p.Met369Thr (NM_001199292.2); c.1088T>C, p.Met363Thr (NM_001292027.2); c.740T>C, p.Met247Thr (NM_001292028.2); c.1151T>C, p.Met384Thr (NM_001374497.1); c.1160T>C, p.Met387Thr (NM_001374498.1); c.833T>C, p.Met278Thr (NM_001374499.1); c.719T>C, p.Met240Thr (NM_001374500.1); and 1 more; short protein forms M240T, M247T, M250T, M278T, M363T, M369T, M384T, M387T.
Identifiers: ClinVar variation 1879630 (VCV001879630.29), dbSNP rs2531743585, ClinGen allele CA360868256.
Genomic context (GRCh38, chr5:119,499,504, plus strand): 5'-GAAGTTCTGATTTCTCCTGTTTGCCCACCTTCGGAGTTATCATAGGTCAGAAATCTATGA[T>C]GGGTGGAGGATTAGCAGAAATTCCTGGACTTTCAATCAACTTTGCAAAGGTATGCCTAAT-3'
Protein context (NP_000405.1, residues 377-397): FGVIIGQKSM[Met387Thr]GGGLAEIPGL